The following is an entry in ClinVar:

NM_014639.4(SKIC3):c.3807del (p.Pro1270fs)

Gene: SKIC3 (SKI3 subunit of superkiller complex; minus strand). Cytogenetic location: 5q15.
Variant type: Deletion.
Coding change: c.3807del on transcript NM_014639.4 (MANE Select); coding-DNA position 3807, one base deleted (T; older notation c.3807delT).
Protein change: p.Pro1270fs; shifts the reading frame from proline 1270.
Molecular consequence: frameshift variant.
Genome position (GRCh38, 1-based): chr5:95,491,032, A deleted on the plus strand (T on the coding strand, the reverse complement: SKIC3 is on the minus strand). VCF-style (leftmost placement, unchanged base first): chr5-95491031-GA-G. GRCh37 (hg19) VCF-style: chr5-94826735-GA-G.
Other names: c.3807delT (NM_014639.3); short protein forms P1270fs.
Identifiers: ClinVar variation 1426603 (VCV001426603.6), dbSNP rs2112260281, ClinGen allele CA2573140046.

ClinVar aggregate classification (germline): Pathogenic/Likely pathogenic. Review status: criteria provided, multiple submitters, no conflicts (2 of 4 stars). 2 submissions from 2 submitters: Pathogenic (1); Likely pathogenic (1). Last evaluated 2023-03-07.

Conditions:
Trichohepatoenteric syndrome. Also called: Syndromic diarrhea; Tricho-hepato-enteric syndrome; THE SYNDROME. Identifiers: Orphanet 84064, MedGen C1857276, MONDO:0009105.

Submissions (2):

Women's Health and Genetics/Laboratory Corporation of America, LabCorp
Classification: Likely pathogenic for Trichohepatoenteric syndrome. Last evaluated: 2023-03-07. Review status: criteria provided, single submitter. Criteria: LabCorp Variant Classification Summary - May 2015. Collection method: clinical testing. Allele origin: germline.
Comment: Variant summary: TTC37 (aka. SKIC3) c.3807delT (p.Pro1270LeufsX7) results in a premature termination codon, predicted to cause a truncation of the encoded protein or absence of the protein due to nonsense mediated decay, which are commonly known mechanisms for disease. Truncations downstream of this position have been reported in individuals affected with Trichohepatoenteric Syndrome (HGMD). The variant was absent in 250826 control chromosomes (gnomAD). To our knowledge, no occurrence of c.3807delT in individuals affected with Trichohepatoenteric Syndrome and no experimental evidence demonstrating its impact on protein function have been reported. One clinical diagnostic laboratory has submitted clinical-significance assessments for this variant to ClinVar after 2014, and classified the variant as pathogenic. Based on the evidence outlined above, the variant was classified as likely pathogenic.

Labcorp Genetics (formerly Invitae), Labcorp
Classification: Pathogenic. Last evaluated: 2022-01-03. Review status: criteria provided, single submitter. Criteria: Invitae Variant Classification Sherloc (09022015). Collection method: clinical testing. Allele origin: germline.
Comment: For these reasons, this variant has been classified as Pathogenic. This sequence change creates a premature translational stop signal (p.Pro1270Leufs*7) in the TTC37 gene. It is expected to result in an absent or disrupted protein product. Loss-of-function variants in TTC37 are known to be pathogenic (PMID: 20176027, 21120949). This variant is not present in population databases (gnomAD no frequency). This variant has not been reported in the literature in individuals affected with TTC37-related conditions.

Literature cited by the submitters: PubMed 20176027 (cited by Labcorp Genetics (formerly Invitae), Labcorp); PubMed 21120949 (cited by Labcorp Genetics (formerly Invitae), Labcorp).